The following is an entry in ClinVar:

ClinVar aggregate classification (germline): Uncertain significance (1 of 4 stars; one submission).

Allele frequency attached by ClinVar (database versions not stated): gnomAD 0.00001; gnomAD exomes 0.00001 and 0.00002; TOPMed 0.00001.
gnomAD v4.1: 32 of 1,613,988 alleles (0.002%); highest among the groups gnomAD compares: Middle Eastern, 0.016%; no homozygotes.

Submission:

Labcorp Genetics (formerly Invitae), Labcorp
Classification: Uncertain significance. Last evaluated: 2022-10-04. Review status: criteria provided, single submitter. Criteria: Invitae Variant Classification Sherloc (09022015). Collection method: clinical testing. Allele origin: germline.
Comment: This sequence change replaces lysine, which is basic and polar, with arginine, which is basic and polar, at codon 15 of the LCA5 protein (p.Lys15Arg). This variant is present in population databases (no rsID available, gnomAD 0.003%). This variant has not been reported in the literature in individuals affected with LCA5-related conditions. ClinVar contains an entry for this variant (Variation ID: 1487008). Algorithms developed to predict the effect of missense changes on protein structure and function (SIFT, PolyPhen-2, Align-GVGD) all suggest that this variant is likely to be tolerated. In summary, the available evidence is currently insufficient to determine the role of this variant in disease. Therefore, it has been classified as a Variant of Uncertain Significance.

NM_001122769.3(LCA5):c.44A>G (p.Lys15Arg)

Gene: LCA5 (lebercilin LCA5; minus strand). Cytogenetic location: 6q14.1.
Variant type: single nucleotide variant.
Coding change: c.44A>G on transcript NM_001122769.3 (MANE Select); coding-DNA position 44, A replaced by G.
Protein change: p.Lys15Arg; replaces lysine 15 with arginine.
Molecular consequence: missense variant.
Genome position (GRCh38, 1-based): chr6:79,518,851, T>C on the plus strand (A>G on the coding strand, the complement: LCA5 is on the minus strand). VCF-style: chr6-79518851-T-C. GRCh37 (hg19) VCF-style: chr6-80228568-T-C.
Other names: c.44A>G, p.Lys15Arg (NM_181714.4); short protein forms K15R.
Identifiers: ClinVar variation 1487008 (VCV001487008.3), dbSNP rs1285541732, ClinGen allele CA364632165.